The following is an entry in ClinVar:

ClinVar aggregate classification (germline): Uncertain significance (1 of 4 stars; one submission).

Allele frequency attached by ClinVar (database versions not stated): gnomAD exomes 0.00002; ExAC 0.00004.
gnomAD v4.1: 10 of 1,201,872 alleles (0.00083%); highest among the groups gnomAD compares: South Asian, 0.018%; no homozygotes.

Submission:

Labcorp Genetics (formerly Invitae), Labcorp
Classification: Uncertain significance. Last evaluated: 2022-10-26. Review status: criteria provided, single submitter. Criteria: Invitae Variant Classification Sherloc (09022015). Collection method: clinical testing. Allele origin: germline.
Comment: In summary, the available evidence is currently insufficient to determine the role of this variant in disease. Therefore, it has been classified as a Variant of Uncertain Significance. This sequence change replaces aspartic acid, which is acidic and polar, with asparagine, which is neutral and polar, at codon 201 of the CACNA1F protein (p.Asp201Asn). This variant is present in population databases (rs782497901, gnomAD 0.04%). This variant has not been reported in the literature in individuals affected with CACNA1F-related conditions. Advanced modeling of protein sequence and biophysical properties (such as structural, functional, and spatial information, amino acid conservation, physicochemical variation, residue mobility, and thermodynamic stability) performed at Invitae indicates that this missense variant is not expected to disrupt CACNA1F protein function.

NM_001256789.3(CACNA1F):c.601G>A (p.Asp201Asn)

Gene: CACNA1F (calcium voltage-gated channel subunit alpha1 F; minus strand). Cytogenetic location: Xp11.23.
Variant type: single nucleotide variant.
Coding change: c.601G>A on transcript NM_001256789.3 (MANE Select); coding-DNA position 601, G replaced by A.
Protein change: p.Asp201Asn; replaces aspartic acid 201 with asparagine.
Molecular consequence: missense variant.
Genome position (GRCh38, 1-based): chrX:49,230,530, C>T on the plus strand (G>A on the coding strand, the complement: CACNA1F is on the minus strand). VCF-style: chrX-49230530-C-T. GRCh37 (hg19) VCF-style: chrX-49086992-C-T.
Other names: c.406G>A, p.Asp136Asn (NM_001256790.3); c.601G>A, p.Asp201Asn (NM_005183.4); short protein forms D136N, D201N.
Identifiers: ClinVar variation 1722174 (VCV001722174.5), dbSNP rs782497901, ClinGen allele CA10411060.